The following is an entry in ClinVar:

NM_015294.6(TRIM37):c.48C>G (p.Phe16Leu)

Gene: TRIM37 (tripartite motif containing 37; minus strand). Cytogenetic location: 17q22.
Variant type: single nucleotide variant.
Coding change: c.48C>G on transcript NM_015294.6 (MANE Select); coding-DNA position 48, C replaced by G.
Protein change: p.Phe16Leu; replaces phenylalanine 16 with leucine.
Molecular consequence: missense variant. On other transcripts: non-coding transcript variant (1), intron variant (3), 5 prime UTR variant (2).
Genome position (GRCh38, 1-based): chr17:59,104,368, G>C on the plus strand (C>G on the coding strand, the complement: TRIM37 is on the minus strand). VCF-style: chr17-59104368-G-C. GRCh37 (hg19) VCF-style: chr17-57181729-G-C.
Other names: p.Phe16Leu; c.-252+2073C>G (NM_001353085.2); c.21+2073C>G (NM_001320987.3, NM_001353082.2); c.48C>G, p.Phe16Leu (NM_001005207.5, NM_001320988.3, NM_001320989.3 and 2 more transcripts); c.-395C>G (NM_001320990.3); c.-705C>G (NM_001353083.2); short protein forms F16L.
Identifiers: ClinVar variation 4542207 (VCV004542207.1).
Genomic context (GRCh38, chr17:59,104,368, plus strand): 5'-ACAACACAGTTTGGAGCAATGAGGACACAGGCGTGCATCCCGCAATTTCTCCATACAAAT[G>C]AAACATCGGAAAACCTCAGCAATGCTCTGAAAACAGTAAAAGATGTAAGGTCCACCAGTT-3'
Protein context (NP_056109.1, residues 6-26): VESIAEVFRC[Phe16Leu]ICMEKLRDAR

ClinVar aggregate classification (germline): Uncertain significance (1 of 4 stars; one submission).

Submission:

Mayo Clinic Laboratories, Mayo Clinic
Classification: Uncertain significance. Last evaluated: 2025-01-27. Review status: criteria provided, single submitter. Criteria: ACMG Guidelines, 2015. Collection method: clinical testing. Allele origin: germline. Observed: 1 variant allele.
Comment: BP4, PM2_supporting